The following is an entry in ClinVar:

NM_001278.5(CHUK):c.1059A>C (p.Glu353Asp)

Gene: CHUK (component of inhibitor of nuclear factor kappa B kinase complex; minus strand). Cytogenetic location: 10q24.31.
Variant type: single nucleotide variant.
Coding change: c.1059A>C on transcript NM_001278.5 (MANE Select); coding-DNA position 1059, A replaced by C.
Protein change: p.Glu353Asp; replaces glutamic acid 353 with aspartic acid.
Molecular consequence: missense variant.
Genome position (GRCh38, 1-based): chr10:100,209,664, T>G on the plus strand (A>C on the coding strand, the complement: CHUK is on the minus strand). VCF-style: chr10-100209664-T-G. GRCh37 (hg19) VCF-style: chr10-101969421-T-G.
Other names: c.1059A>C, p.Glu353Asp (NM_001320928.2); c.1059A>C (NM_001278.4); short protein forms E353D.
Identifiers: ClinVar variation 1652890 (VCV001652890.10), dbSNP rs373772425, ClinGen allele CA5646530.

ClinVar aggregate classification (germline): Likely benign. Review status: criteria provided, multiple submitters, no conflicts (2 of 4 stars). 3 submissions from 3 submitters: Likely benign (3). Last evaluated 2026-09-03.

Conditions:
CHUK-related disorder. Also called: CHUK-related condition.

Allele frequency attached by ClinVar (database versions not stated): gnomAD exomes 0.00009 and 0.00037; gnomAD 0.00011 and 0.00015; TOPMed 0.00011; ExAC 0.00031; 1000 Genomes Project 0.00060; 1000 Genomes Project 30x 0.00062.
gnomAD v4.1: 170 of 1,609,932 alleles (0.011%); highest among the groups gnomAD compares: East Asian, 0.26%; 1 homozygote.

Submissions (3):

PreventionGenetics, part of Exact Sciences
Classification: Likely benign for CHUK-related condition. Last evaluated: 2026-09-03. Review status: criteria provided, single submitter. Criteria: ACMG Guidelines, 2015. Collection method: clinical testing. Allele origin: germline.
Comment: This variant is classified as likely benign based on ACMG/AMP sequence variant interpretation guidelines (Richards et al. 2015 PMID: 25741868, with internal and published modifications).

Women's Health and Genetics/Laboratory Corporation of America, LabCorp
Classification: Likely benign. Last evaluated: 2026-02-06. Review status: criteria provided, single submitter. Criteria: LabCorp Variant Classification Summary - May 2015. Collection method: clinical testing. Allele origin: germline.
Comment: Variant summary: CHUK c.1059A>C (p.Glu353Asp) results in a conservative amino acid change in the encoded protein sequence. Algorithms developed to predict the effect of missense changes on protein structure and function are either unavailable or do not agree on the potential impact of this missense change. The variant allele was found at a frequency of 0.00037 in 251398 control chromosomes, predominantly at a frequency of 0.0047 within the East Asian subpopulation in the gnomAD database, including 1 homozygote. The observed variant frequency within East Asian control individuals in the gnomAD database exceeds the estimated maximal expected allele frequency for disease-causing variants in CHUK. To our knowledge, no occurrence of c.1059A>C in individuals affected with CHUK-related conditions and no experimental evidence demonstrating its impact on protein function have been reported. ClinVar contains an entry for this variant (Variation ID: 1652890). Based on the evidence outlined above, the variant was classified as likely benign.

Labcorp Genetics (formerly Invitae), Labcorp
Classification: Likely benign. Last evaluated: 2025-11-24. Review status: criteria provided, single submitter. Criteria: Invitae Variant Classification Sherloc (09022015). Collection method: clinical testing. Allele origin: germline.